The following is an entry in ClinVar:

NM_006206.6(PDGFRA):c.265A>G (p.Ser89Gly)

Gene: PDGFRA (platelet derived growth factor receptor alpha; plus strand). Cytogenetic location: 4q12.
Variant type: single nucleotide variant.
Coding change: c.265A>G on transcript NM_006206.6 (MANE Select); coding-DNA position 265, A replaced by G.
Protein change: p.Ser89Gly; replaces serine 89 with glycine.
Molecular consequence: missense variant.
Genome position (GRCh38, 1-based): chr4:54,261,310, A>G. VCF-style: chr4-54261310-A-G. GRCh37 (hg19) VCF-style: chr4-55127477-A-G.
Other names: c.265A>G (NM_006206.4); c.265A>G, p.Ser89Gly (NM_001347827.2, NM_001347829.2); c.340A>G, p.Ser114Gly (NM_001347828.2); c.304A>G, p.Ser102Gly (NM_001347830.2); short protein forms S102G, S89G, S114G.
Identifiers: ClinVar variation 1482368 (VCV001482368.7), dbSNP rs2110243056, ClinGen allele CA356888709.

ClinVar aggregate classification (germline): Uncertain significance. Review status: criteria provided, multiple submitters, no conflicts (2 of 4 stars). 2 submissions from 2 submitters: Uncertain significance (2). Last evaluated 2025-02-12.

Conditions:
Hereditary cancer-predisposing syndrome. Also called: Hereditary neoplastic syndrome; Tumor predisposition; Hereditary Cancer Syndrome; Neoplastic Syndromes, Hereditary. Identifiers: Orphanet 140162, MedGen C0027672, MeSH D009386, MONDO:0015356.
Gastrointestinal stromal tumor. Also called: Gastrointestinal stroma tumor; Gastrointestinal stromal tumor, somatic. Identifiers: Orphanet 44890, MedGen C0238198, MeSH D046152, MONDO:0011719, OMIM 606764, HP:0100723.

Submissions (2):

Ambry Genetics
Classification: Uncertain significance for Hereditary cancer-predisposing syndrome. Last evaluated: 2025-02-12. Review status: criteria provided, single submitter. Criteria: Ambry Variant Classification Scheme 2023. Collection method: clinical testing. Allele origin: germline.
Comment: The p.S89G variant (also known as c.265A>G), located in coding exon 2 of the PDGFRA gene, results from an A to G substitution at nucleotide position 265. The serine at codon 89 is replaced by glycine, an amino acid with similar properties. This amino acid position is conserved. In addition, this alteration is predicted to be tolerated by in silico analysis. Based on the available evidence, the clinical significance of this variant remains unclear.

Labcorp Genetics (formerly Invitae), Labcorp
Classification: Uncertain significance for Gastrointestinal stromal tumor. Last evaluated: 2022-05-25. Review status: criteria provided, single submitter. Criteria: Invitae Variant Classification Sherloc (09022015). Collection method: clinical testing. Allele origin: germline.
Comment: In summary, the available evidence is currently insufficient to determine the role of this variant in disease. Therefore, it has been classified as a Variant of Uncertain Significance. Algorithms developed to predict the effect of missense changes on protein structure and function output the following: SIFT: "Tolerated"; PolyPhen-2: "Benign"; Align-GVGD: "Class C0". The glycine amino acid residue is found in multiple mammalian species, which suggests that this missense change does not adversely affect protein function. This variant has not been reported in the literature in individuals affected with PDGFRA-related conditions. This variant is not present in population databases (gnomAD no frequency). This sequence change replaces serine, which is neutral and polar, with glycine, which is neutral and non-polar, at codon 89 of the PDGFRA protein (p.Ser89Gly).